The following is an entry in ClinVar:

ClinVar aggregate classification (germline): Uncertain significance. Review status: criteria provided, multiple submitters, no conflicts (2 of 4 stars). 3 submissions from 3 submitters: Uncertain significance (3). Last evaluated 2026-01-04.

Conditions:
Hereditary cancer-predisposing syndrome. Also called: Neoplastic Syndromes, Hereditary; Tumor predisposition; Hereditary neoplastic syndrome; Hereditary Cancer Syndrome. Identifiers: Orphanet 140162, MedGen C0027672, MeSH D009386, MONDO:0015356.
Ataxia-telangiectasia syndrome (AT). Also called: Ataxia-telangiectasia, complementation group D; Ataxia-telangiectasia, complementation group E; AT, COMPLEMENTATION GROUP C; ATAXIA-TELANGIECTASIA, COMPLEMENTATION GROUP A; ATAXIA-TELANGIECTASIA, FRESNO VARIANT; Ataxia-telangiectasia. Identifiers: Orphanet 100, MedGen C0004135, MONDO:0008840, OMIM 208900.

Submissions (3):

Ambry Genetics
Classification: Uncertain significance for Hereditary cancer-predisposing syndrome. Last evaluated: 2026-01-04. Review status: criteria provided, single submitter. Criteria: Ambry Variant Classification Scheme 2023. Collection method: clinical testing. Allele origin: germline.
Comment: The p.S751T variant (also known as c.2251T>A) is located in coding exon 14 of the ATM gene. The serine at codon 751 is replaced by threonine, an amino acid with similar properties. This change occurs in the first base pair of coding exon 14. This amino acid position is conserved. In addition, the in silico prediction for this alteration is inconclusive. Based on the available evidence, the clinical significance of this variant remains unclear.

Labcorp Genetics (formerly Invitae), Labcorp
Classification: Uncertain significance for Ataxia-telangiectasia syndrome. Last evaluated: 2024-04-10. Review status: criteria provided, single submitter. Criteria: Invitae Variant Classification Sherloc (09022015). Collection method: clinical testing. Allele origin: germline.
Comment: This sequence change replaces serine, which is neutral and polar, with threonine, which is neutral and polar, at codon 751 of the ATM protein (p.Ser751Thr). This variant is not present in population databases (gnomAD no frequency). This variant has not been reported in the literature in individuals affected with ATM-related conditions. ClinVar contains an entry for this variant (Variation ID: 418973). An algorithm developed to predict the effect of missense changes on protein structure and function (PolyPhen-2) suggests that this variant is likely to be tolerated. In summary, the available evidence is currently insufficient to determine the role of this variant in disease. Therefore, it has been classified as a Variant of Uncertain Significance.

GeneDx
Classification: Uncertain significance. Last evaluated: 2015-04-30. Review status: criteria provided, single submitter. Criteria: GeneDx Variant Classification (06012015). Collection method: clinical testing. Allele origin: germline. Affected: yes.
Comment: This variant is denoted ATM c.2251T>A at the cDNA level, p.Ser751Thr (S751T) at the protein level, and results in the change of a Serine to a Threonine (TCT>ACT). This variant has not, to our knowledge, been published in the literature as pathogenic or benign. ATM Ser751Thr was not observed in approximately 6,500 individuals of European and African American ancestry in the NHLBI Exome Sequencing Project, indicating it is not a common benign variant in these populations. ATM Ser751Thr occurs at a position that is conserved and is not located in a known functional domain (Tavtigian 2009). In silico analyses are inconsistent regarding the effect this variant may have on protein structure and function. Based on currently available information, it is unclear whether ATM Ser751Thr is pathogenic or benign. We consider it to be a variant of uncertain significance.

NM_000051.4(ATM):c.2251T>A (p.Ser751Thr)

Gene: ATM (ATM serine/threonine kinase; plus strand). Cytogenetic location: 11q22.3.
Variant type: single nucleotide variant.
Coding change: c.2251T>A on transcript NM_000051.4 (MANE Select); coding-DNA position 2251, T replaced by A.
Protein change: p.Ser751Thr; replaces serine 751 with threonine.
Molecular consequence: missense variant.
Genome position (GRCh38, 1-based): chr11:108,257,481, T>A. VCF-style: chr11-108257481-T-A. GRCh37 (hg19) VCF-style: chr11-108128208-T-A.
Other names: c.2251T>A, p.Ser751Thr (NM_001351834.2); short protein forms S751T.
Identifiers: ClinVar variation 418973 (VCV000418973.10), dbSNP rs1064793558, ClinGen allele CA16619136.